The following is an entry in ClinVar:

NM_014140.4(SMARCAL1):c.1071del (p.Phe357fs)

Gene: SMARCAL1 (SNF2 related chromatin remodeling annealing helicase 1; plus strand). Cytogenetic location: 2q35.
Variant type: Deletion.
Coding change: c.1071del on transcript NM_014140.4 (MANE Select); coding-DNA position 1071, one base deleted (T; older notation c.1071delT).
Protein change: p.Phe357fs; shifts the reading frame from phenylalanine 357.
Molecular consequence: frameshift variant.
Genome position (GRCh38, 1-based): chr2:216,420,507, T deleted; the last of 5 consecutive T bases (chr2:216,420,503-216,420,507); deleting any one gives the same sequence. VCF-style (leftmost placement, unchanged base first): chr2-216420502-CT-C. GRCh37 (hg19) VCF-style: chr2-217285225-CT-C.
Other names: c.1071del, p.Phe357fs (NM_001127207.2); short protein forms F357fs.
Identifiers: ClinVar variation 2118629 (VCV002118629.4), dbSNP rs2469621168, ClinGen allele CA2580065771.
Genomic context (GRCh38, chr2:216,420,502, plus strand): 5'-ATGCTCATCTCCAGGGCCTACTTCGAGGCAGACATCAGTTATTCACAGGACCTTATTGCG[CT>C]TTTTAAACAGATGGATTCCAGAAGATATGGCAAGTAATTGGTCTTTGTCTGATTCCCAGA-3'

ClinVar aggregate classification (germline): Pathogenic (1 of 4 stars; one submission).

Conditions:
Schimke immuno-osseous dysplasia (SIOD). Also called: Schimke Immunoosseous Dysplasia. Identifiers: Orphanet 1830, MedGen C0877024, MONDO:0009458, OMIM 242900.

Submission:

Labcorp Genetics (formerly Invitae), Labcorp
Classification: Pathogenic for Schimke immuno-osseous dysplasia. Last evaluated: 2022-04-04. Review status: criteria provided, single submitter. Criteria: Invitae Variant Classification Sherloc (09022015). Collection method: clinical testing. Allele origin: germline.
Comment: For these reasons, this variant has been classified as Pathogenic. This variant has not been reported in the literature in individuals affected with SMARCAL1-related conditions. This variant is not present in population databases (gnomAD no frequency). This sequence change creates a premature translational stop signal (p.Phe357Leufs*26) in the SMARCAL1 gene. It is expected to result in an absent or disrupted protein product. Loss-of-function variants in SMARCAL1 are known to be pathogenic (PMID: 11799392, 20301550).

Literature cited by the submitters: PubMed 11799392; PubMed 20301550.